The following is an entry in ClinVar:

ClinVar aggregate classification (germline): Pathogenic. Review status: reviewed by expert panel (3 of 4 stars). 4 submissions from 4 submitters: Pathogenic (1). 3 of the submissions do not count toward it. Last evaluated 2025-09-30.

Conditions:
Neuromuscular disease caused by qualitative or quantitative defects of dysferlin. Also called: Qualitative or quantitative defects of dysferlin; Dysferlinopathy. Identifiers: Orphanet 207073, MedGen C2931687, MONDO:0016145.
Autosomal recessive limb-girdle muscular dystrophy. Identifiers: Orphanet 102015, MedGen C2931907, MONDO:0015152.
Miyoshi muscular dystrophy 1 (MMD1). Identifiers: Orphanet 45448, MedGen C4551973, MONDO:0024545, OMIM 254130.

Submissions (4):

ClinGen Limb Girdle Muscular Dystrophy Variant Curation Expert Panel, ClinGen
Classification: Pathogenic for Autosomal recessive limb-girdle muscular dystrophy. Last evaluated: 2025-09-30. Review status: reviewed by expert panel. Criteria: ClinGen LGMD VCEP ACMG Specifications DYSF V2.0.0. Collection method: curation. Allele origin: germline. Inheritance: Autosomal recessive inheritance.
Comment: The NM_003494.4: c.1517C>G p.(Ser506Ter) variant in DYSF is also known as NM_001130987.2: c.1577-1655C>G. While this variant is intronic in the canonical transcript, it introduces a stop codon in the transcript expressed in skeletal muscle and is predicted to cause a premature stop codon in biologically relevant exon 17/55, leading to nonsense mediated decay in a gene in which loss of function is an established disease mechanism (PVS1). This variant has been identified in one individual with suspected LGMD, where it was reported in unconfirmed phase with a pathogenic variant (NM_003494.4: c.4408C>T p.(Gln1470Ter), 0.5 pts, PMID: 36983702; PM3_Supporting). This individual displayed slowly progressive lower extremity and hand muscle weakness and had absent dysferlin protein expression in skeletal muscle, which is highly specific for DYSF-related LGMD (PP4_Strong). Dysferlin expression by blood monocyte assay was out of the disease range, but the dominant dysferlin isoform in the blood naturally skips exon 17, the location of this variant, allowing for expression of dysferlin in the blood. This variant is absent from gnomAD v4.1.0 (PM2_Supporting). In summary, this variant meets the criteria to be classified as Pathogenic for autosomal recessive limb-girdle muscular dystrophy based on the ACMG/AMP criteria applied, as specified by the ClinGen LGMD VCEP (LGMD VCEP specifications version 2.0.0; 09/30/2025): PVS1, PM3_Supporting, PM2_Supporting, PP4_Strong.

Labcorp Genetics (formerly Invitae), Labcorp
Classification: Pathogenic for Neuromuscular disease caused by qualitative or quantitative defects of dysferlin. Last evaluated: 2025-03-06. Review status: criteria provided, single submitter. Criteria: Invitae Variant Classification Sherloc (09022015). Collection method: clinical testing. Allele origin: germline. Not counted in ClinVar's aggregate classification.
Comment: This sequence change creates a premature translational stop signal (p.Ser506*) in the DYSF gene. It is expected to result in an absent or disrupted protein product. Loss-of-function variants in DYSF are known to be pathogenic (PMID: 17698709, 20301480). This variant is not present in population databases (gnomAD no frequency). This variant has not been reported in the literature in individuals affected with DYSF-related conditions. ClinVar contains an entry for this variant (Variation ID: 290283). For these reasons, this variant has been classified as Pathogenic.

Baylor Genetics
Classification: Likely pathogenic for Miyoshi muscular dystrophy 1. Last evaluated: 2023-06-20. Review status: criteria provided, single submitter. Criteria: ACMG Guidelines, 2015. Collection method: clinical testing. Allele origin: unknown. Not counted in ClinVar's aggregate classification.

Eurofins Ntd Llc (ga)
Classification: Pathogenic. Last evaluated: 2016-08-11. Review status: criteria provided, single submitter. Criteria: EGL Classification Definitions 2015. Collection method: clinical testing. Allele origin: germline. Observed: 1 variant allele, 1 heterozygote. Not counted in ClinVar's aggregate classification.

Literature cited by the submitters: PubMed 17698709 (cited by Labcorp Genetics (formerly Invitae), Labcorp); PubMed 20301480 (cited by Labcorp Genetics (formerly Invitae), Labcorp).

NM_001130987.2(DYSF):c.1577-1655C>G

Gene: DYSF (dysferlin; plus strand). Cytogenetic location: 2p13.2.
Variant type: single nucleotide variant.
Coding change: c.1577-1655C>G on transcript NM_001130987.2 (MANE Select); 1655 bases into the intron before coding-DNA position 1577, C replaced by G.
Molecular consequence: intron variant. On other transcripts: nonsense (6).
Genome position (GRCh38, 1-based): chr2:71,549,386, C>G. VCF-style: chr2-71549386-C-G. GRCh37 (hg19) VCF-style: chr2-71776516-C-G.
Other names: c.1520C>G, p.Ser507Ter (NM_001130455.2, NM_001130983.2); c.1517C>G, p.Ser506Ter (NM_001130978.2, NM_003494.4); c.1610C>G, p.Ser537Ter (NM_001130979.2); c.1613C>G, p.Ser538Ter (NM_001130982.2); c.1574-1655C>G (NM_001130981.2, NM_001130980.2); c.1481-1655C>G (NM_001130977.2, NM_001130976.2); c.1577-1655C>G (NM_001130985.2); c.1484-1655C>G (NM_001130984.2, NM_001130986.2); short protein forms S506*, S507*, S537*, S538*.
Identifiers: ClinVar variation 290283 (VCV000290283.11), dbSNP rs886044410, ClinGen allele CA10606720.
Genomic context (GRCh38, chr2:71,549,386, plus strand): 5'-CTTTTCCATTTCTTTACGCTTCAGAGGAGCCTGCAGGTGCTGTCAAGCCTTCGAAAGCCT[C>G]AGACTGTACGTTGCTGTCACCTTGGGGACAACCAGGGGAGTGGGGCCTTGGGTTTTGGCT-3'